The following is an entry in ClinVar:

NM_015656.2(KIF26A):c.4085C>T (p.Pro1362Leu)

Gene: KIF26A (kinesin family member 26A; plus strand). Cytogenetic location: 14q32.33.
Variant type: single nucleotide variant.
Coding change: c.4085C>T on transcript NM_015656.2 (MANE Select); coding-DNA position 4085, C replaced by T.
Protein change: p.Pro1362Leu; replaces proline 1362 with leucine.
Molecular consequence: missense variant.
Genome position (GRCh38, 1-based): chr14:104,176,873, C>T. VCF-style: chr14-104176873-C-T. GRCh37 (hg19) VCF-style: chr14-104643210-C-T.
Other names: short protein forms P1362L.
Identifiers: ClinVar variation 2356383 (VCV002356383.3), dbSNP rs760864284, ClinGen allele CA7371180.

ClinVar aggregate classification (germline): Uncertain significance. Review status: criteria provided, multiple submitters, no conflicts (2 of 4 stars). 2 submissions from 2 submitters: Uncertain significance (2). Last evaluated 2025-06-24.

Conditions:
Cortical dysplasia, complex, with other brain malformations 11 (CDCBM11). Identifiers: MedGen C5774270, MONDO:0859332, OMIM 620156.

Allele frequency attached by ClinVar (database versions not stated): TOPMed 0.00015; gnomAD 0.00017; 1000 Genomes Project 30x 0.00016.
gnomAD v4.1: 289 of 1,542,638 alleles (0.019%); highest among the groups gnomAD compares: Admixed American, 0.033%; no homozygotes.

Submissions (2):

Clinical Genomics Laboratory, Washington University in St. Louis
Classification: Uncertain significance for Cortical dysplasia, complex, with other brain malformations 11. Last evaluated: 2025-06-24. Review status: criteria provided, single submitter. Criteria: ACMG Guidelines, 2015. Collection method: clinical testing. Allele origin: germline.
Comment: The KIF26A c.4085C>T (p.Pro1362Leu) variant, to our knowledge, has not been reported in the medical literature. This variant has been reported in the ClinVar database as a germline variant of uncertain significance by one submitter. The highest population minor allele frequency in the population database genome aggregation database (v.2.1.1) is 0.02% in the African population. Computational predictors indicate that the variant is damaging, evidence that correlates with impact on KIF26A function. Due to limited information, and based on ACMG/AMP guidelines for variant interpretation (Richards S et al., PMID: 25741868), the clinical significance of this variant is uncertain at this time.The KIF26A c.994G>A (p.Gly332Ser) variant, to our knowledge, has not been reported in the medical literature. The highest population minor allele frequency in the population database genome aggregation database (v.2.1.1) is 0.09% in the South Asian population. Computational predictors suggest that the variant does not impact KIF26A function. Due to limited information, and based on ACMG/AMP guidelines for variant interpretation (Richards S et al., PMID: 25741868), the clinical significance of this variant is uncertain at this time.

Ambry Genetics
Classification: Uncertain significance. Last evaluated: 2022-05-16. Review status: criteria provided, single submitter. Criteria: Ambry Variant Classification Scheme 2023. Collection method: clinical testing. Allele origin: germline.